The following is an entry in ClinVar:

NM_002185.5(IL7R):c.1334AAG[2] (p.Glu447del)

Gene: IL7R (interleukin 7 receptor; plus strand). Cytogenetic location: 5p13.2.
Variant type: Microsatellite.
Coding change: c.1334AAG[2] on transcript NM_002185.5 (MANE Select); two copies in a row of the 3-base unit AAG starting at c.1334; the reference has three copies in a row; one copy, 3 bases deleted.
Protein change: p.Glu447del; deletes glutamic acid 447.
Molecular consequence: inframe deletion. On other transcripts: non-coding transcript variant (1).
Genome position (GRCh38, 1-based): chr5:35,876,446-35,876,448, AAG deleted; deleting any 3 consecutive bases within chr5:35,876,440-35,876,448 gives the same sequence; the position shown is the placement nearest the transcript's 3' end. VCF-style (leftmost placement, unchanged base first): chr5-35876439-CAAG-C. GRCh37 (hg19) VCF-style: chr5-35876541-CAAG-C.
Other names: c.*451_*453AAG[2] (NM_001410734.1); short protein forms E447del.
Identifiers: ClinVar variation 2120542 (VCV002120542.4), dbSNP rs2531584193, ClinGen allele CA2580613541.

ClinVar aggregate classification (germline): Uncertain significance (1 of 4 stars; one submission).

Conditions:
Immunodeficiency 104. Also called: Severe combined immunodeficiency, autosomal recessive, T cell-negative, B cell-positive, NK cell-positive; IMMUNODEFICIENCY 104, SEVERE COMBINED; Severe Combined Immune Deficiency, Autosomal Recessive, TCell -Negative, B Cell-Positive, NK Cell-Positive, IL7R-Related; SCID, AUTOSOMAL RECESSIVE, T CELL-NEGATIVE, B CELL-POSITIVE, NK CELL-POSITIVE. Identifiers: MedGen C5676890, MONDO:0012163, OMIM 608971.

Submission:

Labcorp Genetics (formerly Invitae), Labcorp
Classification: Uncertain significance for Immunodeficiency 104. Last evaluated: 2022-04-01. Review status: criteria provided, single submitter. Criteria: Invitae Variant Classification Sherloc (09022015). Collection method: clinical testing. Allele origin: germline.
Comment: This variant, c.1340_1342del, results in the deletion of 1 amino acid(s) of the IL7R protein (p.Glu447del), but otherwise preserves the integrity of the reading frame. This variant is not present in population databases (gnomAD no frequency). This variant has not been reported in the literature in individuals affected with IL7R-related conditions. Experimental studies and prediction algorithms are not available or were not evaluated, and the functional significance of this variant is currently unknown. In summary, the available evidence is currently insufficient to determine the role of this variant in disease. Therefore, it has been classified as a Variant of Uncertain Significance.